The following is an entry in ClinVar:

NM_002734.5(PRKAR1A):c.6_11del (p.Glu2_Gly4delinsAsp)

Gene: PRKAR1A (protein kinase cAMP-dependent type I regulatory subunit alpha; plus strand). Cytogenetic location: 17q24.2.
Variant type: Deletion.
Coding change: c.6_11del on transcript NM_002734.5 (MANE Select); coding-DNA positions 6 to 11, 6 bases deleted (GTCTGG; older notation c.6_11delGTCTGG).
Protein change: p.Glu2_Gly4delinsAsp.
Molecular consequence: inframe indel.
Genome position (GRCh38, 1-based): chr17:68,515,405-68,515,410, GTCTGG deleted. VCF-style (leftmost placement, unchanged base first): chr17-68515404-AGTCTGG-A. GRCh37 (hg19) VCF-style: chr17-66511545-AGTCTGG-A.
Other names: c.6_11del, p.Glu2_Gly4delinsAsp (NM_001276289.2, NM_001276290.1, NM_001278433.2 and 4 more transcripts).
Identifiers: ClinVar variation 2562679 (VCV002562679.2), dbSNP rs2509357183, ClinGen allele CA2580613237.
Genomic context (GRCh38, chr17:68,515,404, plus strand): 5'-ACATTTTGCTTTATAGTTTATACAAGCATGTGTGTGTTTTTTTCTCGCAGAGAACCATGG[AGTCTGG>A]CAGTACCGCCGCCAGTGAGGAGGCACGCAGCCTTCGAGAATGTGAGCTCTACGTCCAGAA-3'

ClinVar aggregate classification (germline): Uncertain significance (1 of 4 stars; one submission).

Conditions:
Hereditary cancer-predisposing syndrome. Also called: Neoplastic Syndromes, Hereditary; Hereditary Cancer Syndrome; Hereditary neoplastic syndrome; Tumor predisposition. Identifiers: Orphanet 140162, MedGen C0027672, MeSH D009386, MONDO:0015356.

Submission:

Ambry Genetics
Classification: Uncertain significance for Hereditary cancer-predisposing syndrome. Last evaluated: 2023-04-06. Review status: criteria provided, single submitter. Criteria: Ambry Variant Classification Scheme 2023. Collection method: clinical testing. Allele origin: germline.
Comment: The c.6_11delGTCTGG variant (also known as p.E2_G4delinsD) is located in coding exon 1 of the PRKAR1A gene. This variant results from an in-frame GTCTGG deletion at nucleotide positions 6 to 11. This results in the in-frame deletion of 3 residues (ESG) and the insertion of a single residue (D) at codons 2 to 4. These amino acid positions are generally not well conserved in available vertebrate species. In addition, this alteration is predicted to be neutral by in silico analysis (Choi Y et al. PLoS ONE. 2012; 7(10):e46688). Since supporting evidence is limited at this time, the clinical significance of this alteration remains unclear.